The following is an entry in ClinVar:

GRCh37/hg19 1q23.3(chr1:161216755-161409359)x3

Genes: CFAP126 (cilia and flagella associated protein 126; minus strand), MPZ (myelin protein zero; minus strand), PCP4L1 (Purkinje cell protein 4 like 1; plus strand), SDHC (succinate dehydrogenase complex subunit C; plus strand). Cytogenetic location: 1q23.3.
Variant type: copy number gain.
Change: copy number 3 (three copies instead of two) of chr1:161,216,755-161,409,359 (192.6 kb, GRCh37 coordinates, 1-based), cytogenetic band 1q23.3.
Identifiers: ClinVar variation 1710509 (VCV001710509.3).

ClinVar aggregate classification (germline): Likely pathogenic (1 of 4 stars; one submission).

Submission:

Illumina Laboratory Services, Illumina
Classification: Likely pathogenic. Last evaluated: 2022-01-10. Review status: criteria provided, single submitter. Criteria: ICSL CNVClassificationCriteria Aug2020. Collection method: clinical testing. Allele origin: unknown.
Comment: This CNV is a 193 kb duplication of 1q23.3 on chromosome 1, (seq[GRCh37]dup(1)(1q23.3); chr1:g.161216755_161409359dup), of unknown inheritance. This CNV constitutes a gain encompassing the following protein coding genes: MPZ, SDHC, PCP4L1, and CFAP126. Disruption of the MPZ gene, including due to copy number variants, is a known cause of Charcot-Marie-Tooth (CMT) disease and other MPZ-related disorders (Salpietro et al. 2018). Whole-gene duplications of MPZ have been described in patients with phenotypes consistent with CMT1, including variable age of onset of foot and ankle weakness with slow progression, pes cavus, reduced sensation and reflexes, and abnormal EMG and nerve conduction velocities consistent with sensory and motor neuropathy (Høyer et al. 2011; Pehlivan et al. 2016; Wang et al. 2016; Cortese et al. 2020). Høyer et al. (2011) reported a large Norwegian pedigree of six unaffected and seven affected individuals with onset of CMT in the first decade with slowly progressive symptoms; duplication of MPZ completely segregated with the CMT phenotype. Patients with early-onset peripheral demyelinating neuropathies who carry four or more copies of MPZ in affected members have been described, which may have arisen due to repeated interallelic crossovers (Maeda et al. 2012; Speevak et al. 2013; Kerkhof et al. 2017). This CNV has not been reported in controls. Based on the available evidence, this CNV is classified as likely pathogenic.

Literature cited by the submitters: PubMed 21787890; PubMed 22275255; PubMed 23811036; PubMed 26378787; PubMed 27164712; PubMed 28818680; PubMed 30258273; PubMed 31827005.